The following is an entry in ClinVar:

NM_001399.4(EDA):c.(?_925)_(1176_?)del

Gene: EDA (ectodysplasin A; plus strand). Cytogenetic location: Xq13.1.
Variant type: Deletion.
Coding change: c.(?_925)_(1176_?)del on transcript NM_001399.4; a large deletion whose breakpoints are not mapped to the base.
Identifiers: ClinVar variation 179326 (VCV000179326.4).

ClinVar aggregate classification (germline): Pathogenic (1 of 4 stars; one submission).

Conditions:
Hypohidrotic X-linked ectodermal dysplasia (XHED). Also called: ECTODERMAL DYSPLASIA, HYPOHIDROTIC, 1; CST SYNDROME; ECTODERMAL DYSPLASIA 1; Ectodermal Dysplasia 1, Anhidrotic; Anhidrotic ectodermal dysplasia X-linked; Christ Siemens Touraine syndrome. Identifiers: Orphanet 181, Orphanet 238468, MedGen C0162359, MONDO:0010585, OMIM 305100.

Submission:

Laboratory for Molecular Medicine, Mass General Brigham Personalized Medicine
Classification: Pathogenic for Hypohidrotic X-linked ectodermal dysplasia. Last evaluated: 2013-10-05. Review status: criteria provided, single submitter. Criteria: LMM Criteria. Collection method: clinical testing. Allele origin: germline. Inheritance: X-linked inheritance. Observed: 1 variant allele.
Comment: The deletion of exon 8 of EDA has not been previously identified in any individu als with clinical features of hypohidrotic ectodermal dysplasia. However, single or multiple exon deletions in the EDA gene have been reported in individuals wi th XLHED, including deletions encompassing exon 8 (Kere 1996, Bayes 1998, Monrea l 1998, Paakkonen 2001, Vincent 2001, Lexner 2008, Li 2008, Gros 2010, Cluzeau 2 011). This deletion is expected to lead to a truncated or absent protein. In sum mary, this variant meets our criteria to be classified as pathogenic.

Literature cited by the submitters: PubMed 20979233; PubMed 21357618; PubMed 18510547.